The following is an entry in ClinVar:

NM_001367943.1(TCF7L2):c.487G>T (p.Ala163Ser)

Gene: TCF7L2 (transcription factor 7 like 2; plus strand). Cytogenetic location: 10q25.2.
Variant type: single nucleotide variant.
Coding change: c.487G>T on transcript NM_001367943.1 (MANE Select); coding-DNA position 487, G replaced by T.
Protein change: p.Ala163Ser; replaces alanine 163 with serine.
Molecular consequence: missense variant. On other transcripts: intron variant (1).
Genome position (GRCh38, 1-based): chr10:113,040,061, G>T. VCF-style: chr10-113040061-G-T. GRCh37 (hg19) VCF-style: chr10-114799820-G-T.
Other names: c.487G>T, p.Ala163Ser (NM_001146274.2, NM_001198531.2, NM_001363501.2); c.418G>T, p.Ala140Ser (NM_001146283.2, NM_001146284.2, NM_001146285.2 and 7 more transcripts); c.381+88454G>T (NM_001198530.2); short protein forms A140S, A163S.
Identifiers: ClinVar variation 3390505 (VCV003390505.2).

ClinVar aggregate classification (germline): Uncertain significance. Review status: criteria provided, multiple submitters, no conflicts (2 of 4 stars). 2 submissions from 2 submitters: Uncertain significance (2). Last evaluated 2024-06-13.

gnomAD v4.1: 3 of 1,613,854 alleles (0.00019%); highest among the groups gnomAD compares: Non-Finnish European, 0.00025%; no homozygotes.

Submissions (2):

GeneDx
Classification: Uncertain significance. Last evaluated: 2024-06-13. Review status: criteria provided, single submitter. Criteria: GeneDx Variant Classification Process June 2021. Collection method: clinical testing. Allele origin: germline. Affected: yes.
Comment: Not observed at significant frequency in large population cohorts (gnomAD); In silico analysis indicates that this missense variant does not alter protein structure/function; Has not been previously published as pathogenic or benign to our knowledge

Blueprint Genetics
Classification: Uncertain significance. Last evaluated: 2022-10-13. Review status: criteria provided, single submitter. Criteria: ACMG Guidelines, 2015. Collection method: clinical testing. Allele origin: germline.